The following is an entry in ClinVar:

NM_024691.4(ZNF419):c.73G>T (p.Gly25Cys)

Gene: ZNF419 (zinc finger protein 419; plus strand). Cytogenetic location: 19q13.43.
Variant type: single nucleotide variant.
Coding change: c.73G>T on transcript NM_024691.4 (MANE Select); coding-DNA position 73, G replaced by T.
Protein change: p.Gly25Cys; replaces glycine 25 with cysteine.
Molecular consequence: missense variant. On other transcripts: 5 prime UTR variant (1).
Genome position (GRCh38, 1-based): chr19:57,491,471, G>T. VCF-style: chr19-57491471-G-T. GRCh37 (hg19) VCF-style: chr19-58002839-G-T.
Other names: c.76G>T, p.Gly26Cys (NM_001098491.2, NM_001098494.2); c.37G>T, p.Gly13Cys (NM_001098492.2, NM_001098495.2, NM_001291745.2); c.34G>T, p.Gly12Cys (NM_001098493.2, NM_001098496.2); c.73G>T, p.Gly25Cys (NM_001291743.2); c.-93G>T (NM_001291744.2); short protein forms G26C, G13C, G12C, G25C.
Identifiers: ClinVar variation 161512 (VCV000161512.2), dbSNP rs193920918, ClinGen allele CA174175.

ClinVar aggregate classification (germline): Uncertain significance (0 of 4 stars; one submission).

Conditions:
Prostate cancer. Also called: Malignant tumor of prostate. Identifiers: Orphanet 1331, MedGen C0376358, MONDO:0008315, HP:0012125.

Submission:

Science for Life laboratory,  Karolinska Institutet
Classification: Uncertain significance for Malignant tumor of prostate. Review status: no assertion criteria provided. Collection method: not provided. Allele origin: somatic.
Comment: TumorID:SWE-19
ClinVar note: Converted during submission from Unknown to Uncertain significance.